The following is an entry in ClinVar:

NM_000045.4(ARG1):c.956A>G (p.Asn319Ser)

Genes: ARG1 (arginase 1; plus strand), MED23 (mediator complex subunit 23; minus strand). Cytogenetic location: 6q23.2.
Variant type: single nucleotide variant.
Coding change: c.956A>G on transcript NM_000045.4 (MANE Select); coding-DNA position 956, A replaced by G.
Protein change: p.Asn319Ser; replaces asparagine 319 with serine.
Molecular consequence: missense variant. On other transcripts: non-coding transcript variant (1), intron variant (2).
Genome position (GRCh38, 1-based): chr6:131,583,895, A>G. VCF-style: chr6-131583895-A-G. GRCh37 (hg19) VCF-style: chr6-131905035-A-G.
Other names: c.980A>G, p.Asn327Ser (NM_001244438.2); c.701A>G, p.Asn234Ser (NM_001369020.1); c.4077+3814T>C (NM_001270521.2); c.4095+3814T>C (NM_015979.4); short protein forms N327S, N234S, N319S.
Identifiers: ClinVar variation 1039159 (VCV001039159.45), dbSNP rs147409787, ClinGen allele CA3999419.
Genomic context (GRCh38, chr6:131,583,895, plus strand): 5'-TAACCTTGGCTTGTTTCGGACTTGCTCGGGAGGGTAATCACAAGCCTATTGACTACCTTA[A>G]CCCACCTAAGTAAATGTGGAAACATCCGATATAAATCTCATAGTTAATGGCATAATTAGA-3'
Protein context (NP_000036.2, residues 309-322): EGNHKPIDYL[Asn319Ser]PPK

ClinVar aggregate classification (germline): Uncertain significance (1 of 4 stars; one submission).

Conditions:
Arginase deficiency. Also called: ARGININEMIA; ARG1 DEFICIENCY; Arginase 1 Deficiency. Identifiers: Orphanet 90, MedGen C0268548, MONDO:0008814, OMIM 207800.

Allele frequency attached by ClinVar (database versions not stated): ExAC 0.00001; gnomAD exomes below 0.00001 and 0.00001; TOPMed 0.00001; ESP Exome Variant Server 0.00008; gnomAD 0.00001.
gnomAD v4.1: 6 of 1,613,928 alleles (0.00037%); highest among the groups gnomAD compares: Non-Finnish European, 0.00051%; no homozygotes.

Submission:

Labcorp Genetics (formerly Invitae), Labcorp
Classification: Uncertain significance for Arginase deficiency. Last evaluated: 2021-08-26. Review status: criteria provided, single submitter. Criteria: Invitae Variant Classification Sherloc (09022015). Collection method: clinical testing. Allele origin: germline.
Comment: This sequence change replaces asparagine with serine at codon 319 of the ARG1 protein (p.Asn319Ser). The asparagine residue is weakly conserved and there is a small physicochemical difference between asparagine and serine. This variant is present in population databases (rs147409787, ExAC 0.002%). This variant has not been reported in the literature in individuals affected with ARG1-related conditions. Algorithms developed to predict the effect of missense changes on protein structure and function output the following: SIFT: "Tolerated"; PolyPhen-2: "Benign"; Align-GVGD: "Class C0". The serine amino acid residue is found in multiple mammalian species, which suggests that this missense change does not adversely affect protein function. Algorithms developed to predict the effect of sequence changes on RNA splicing suggest that this variant may create or strengthen a splice site. In summary, the available evidence is currently insufficient to determine the role of this variant in disease. Therefore, it has been classified as a Variant of Uncertain Significance.